The following is an entry in ClinVar:

NM_000170.3(GLDC):c.2894C>T (p.Ser965Phe)

Gene: GLDC (glycine decarboxylase; minus strand). Cytogenetic location: 9p24.1.
Variant type: single nucleotide variant.
Coding change: c.2894C>T on transcript NM_000170.3 (MANE Select); coding-DNA position 2894, C replaced by T.
Protein change: p.Ser965Phe; replaces serine 965 with phenylalanine.
Molecular consequence: missense variant.
Genome position (GRCh38, 1-based): chr9:6,534,733, G>A on the plus strand (C>T on the coding strand, the complement: GLDC is on the minus strand). VCF-style: chr9-6534733-G-A. GRCh37 (hg19) VCF-style: chr9-6534733-G-A.
Other names: short protein forms S965F.
Identifiers: ClinVar variation 1312999 (VCV001312999.2), dbSNP rs1489390970, ClinGen allele CA372882056.

ClinVar aggregate classification (germline): Uncertain significance (1 of 4 stars; one submission).

Allele frequency attached by ClinVar (database versions not stated): gnomAD exomes below 0.00001.
gnomAD v4.1: 2 of 1,604,432 alleles (0.00012%); highest among the groups gnomAD compares: Non-Finnish European, 0.000085%; no homozygotes.

Submission:

GeneDx
Classification: Uncertain significance. Last evaluated: 2020-07-15. Review status: criteria provided, single submitter. Criteria: GeneDx Variant Classification Process June 2021. Collection method: clinical testing. Allele origin: germline. Affected: yes.
Comment: Not observed at a significant frequency in large population cohorts (Lek et al., 2016); In silico analysis supports that this missense variant has a deleterious effect on protein structure/function; Has not been previously published as pathogenic or benign to our knowledge